The following is an entry in ClinVar:

ClinVar aggregate classification (germline): Uncertain significance. Review status: criteria provided, multiple submitters, no conflicts (2 of 4 stars). 2 submissions from 2 submitters: Uncertain significance (2). Last evaluated 2024-12-14.

Conditions:
Inborn genetic diseases. Identifiers: MedGen C0950123, MeSH D030342.
Mosaic variegated aneuploidy syndrome 2 (MVA2). Identifiers: Orphanet 1052, MedGen C3279843, MONDO:0013582, OMIM 614114.

gnomAD v4.1: 15 of 1,611,806 alleles (0.00093%); highest among the groups gnomAD compares: African/African-American, 0.02%; no homozygotes.

Submissions (2):

Ambry Genetics
Classification: Uncertain significance for Inborn genetic diseases. Last evaluated: 2024-12-14. Review status: criteria provided, single submitter. Criteria: Ambry Variant Classification Scheme 2023. Collection method: clinical testing. Allele origin: germline.
Comment: The p.L243V variant (also known as c.727C>G), located in coding exon 7 of the CEP57 gene, results from a C to G substitution at nucleotide position 727. The leucine at codon 243 is replaced by valine, an amino acid with highly similar properties. This amino acid position is conserved. In addition, this alteration is predicted to be tolerated by in silico analysis. Based on the available evidence, the clinical significance of this variant remains unclear.

Labcorp Genetics (formerly Invitae), Labcorp
Classification: Uncertain significance for Mosaic variegated aneuploidy syndrome 2. Last evaluated: 2024-11-04. Review status: criteria provided, single submitter. Criteria: Invitae Variant Classification Sherloc (09022015). Collection method: clinical testing. Allele origin: germline.
Comment: This sequence change replaces leucine, which is neutral and non-polar, with valine, which is neutral and non-polar, at codon 243 of the CEP57 protein (p.Leu243Val). This variant is present in population databases (rs756302353, gnomAD 0.05%). This variant has not been reported in the literature in individuals affected with CEP57-related conditions. Invitae Evidence Modeling of protein sequence and biophysical properties (such as structural, functional, and spatial information, amino acid conservation, physicochemical variation, residue mobility, and thermodynamic stability) indicates that this missense variant is not expected to disrupt CEP57 protein function with a negative predictive value of 80%. In summary, the available evidence is currently insufficient to determine the role of this variant in disease. Therefore, it has been classified as a Variant of Uncertain Significance.

NM_014679.5(CEP57):c.727C>G (p.Leu243Val)

Gene: CEP57 (centrosomal protein 57; plus strand). Cytogenetic location: 11q21.
Variant type: single nucleotide variant.
Coding change: c.727C>G on transcript NM_014679.5 (MANE Select); coding-DNA position 727, C replaced by G.
Protein change: p.Leu243Val; replaces leucine 243 with valine.
Molecular consequence: missense variant.
Genome position (GRCh38, 1-based): chr11:95,821,898, C>G. VCF-style: chr11-95821898-C-G. GRCh37 (hg19) VCF-style: chr11-95555062-C-G.
Other names: c.700C>G, p.Leu234Val (NM_001243776.2); c.727C>G, p.Leu243Val (NM_001243777.2); c.646C>G, p.Leu216Val (NM_001363604.2); c.727C>G (NM_014679.4); short protein forms L216V, L234V, L243V.
Identifiers: ClinVar variation 3618047 (VCV003618047.3).